The following is an entry in ClinVar:

NM_000548.5(TSC2):c.3333G>A (p.Lys1111=)

Gene: TSC2 (TSC complex subunit 2; plus strand). Cytogenetic location: 16p13.3.
Variant type: single nucleotide variant.
Coding change: c.3333G>A on transcript NM_000548.5 (MANE Select); coding-DNA position 3333, G replaced by A.
Protein change: p.Lys1111=; no amino-acid change (lysine 1111 retained).
Molecular consequence: synonymous variant.
Genome position (GRCh38, 1-based): chr16:2,079,605, G>A. VCF-style: chr16-2079605-G-A. GRCh37 (hg19) VCF-style: chr16-2129606-G-A.
Other names: p.K1111K:AAG>AAA; c.3201G>A, p.Lys1067= (NM_001077183.3, NM_001370404.1); c.3333G>A, p.Lys1111= (NM_001114382.3); c.3093G>A, p.Lys1031= (NM_001318827.2); c.3057G>A, p.Lys1019= (NM_001318829.2); c.2601G>A, p.Lys867= (NM_001318831.2); c.3234G>A, p.Lys1078= (NM_001318832.2); c.3204G>A, p.Lys1068= (NM_001363528.2, NM_001370405.1, NM_021055.3); and 1 more.
Identifiers: ClinVar variation 137745 (VCV000137745.49), dbSNP rs557648435, ClinGen allele CA018907.

ClinVar aggregate classification (germline): Benign/Likely benign. Review status: criteria provided, multiple submitters, no conflicts (2 of 4 stars). 12 submissions from 12 submitters: Benign (8); Likely benign (4). Last evaluated 2026-02-04.

Conditions:
Hereditary cancer-predisposing syndrome. Also called: Tumor predisposition; Hereditary neoplastic syndrome; Hereditary Cancer Syndrome; Neoplastic Syndromes, Hereditary. Identifiers: Orphanet 140162, MedGen C0027672, MeSH D009386, MONDO:0015356.
Tuberous sclerosis syndrome (TSC). Also called: Tuberous Sclerosis Complex; Tuberous sclerosis. Identifiers: Orphanet 805, MedGen C0041341, MONDO:0001734.
Tuberous sclerosis 2 (TSC2). Identifiers: Orphanet 805, MedGen C1860707, MONDO:0013199, OMIM 613254.

Allele frequency attached by ClinVar (database versions not stated): gnomAD 0.00006 and 0.00025; TOPMed 0.00013; gnomAD exomes 0.00042 and 0.00087; 1000 Genomes Project 0.00100; 1000 Genomes Project 30x 0.00109; ExAC 0.00120.
gnomAD v4.1: 654 of 1,611,472 alleles (0.041%); highest among the groups gnomAD compares: South Asian, 0.66%; 9 homozygotes.

Submissions (12):

Labcorp Genetics (formerly Invitae), Labcorp
Classification: Benign for Tuberous sclerosis 2. Last evaluated: 2026-02-04. Review status: criteria provided, single submitter. Criteria: Invitae Variant Classification Sherloc (09022015). Collection method: clinical testing. Allele origin: germline.

Myriad Genetics, Inc.
Classification: Benign for Tuberous sclerosis 2. Last evaluated: 2025-05-28. Review status: criteria provided, single submitter. Criteria: Myriad Autosomal Dominant, Autosomal Recessive and X-Linked Classification Criteria (2023). Collection method: clinical testing. Allele origin: unknown.
Comment: This variant is considered benign. This variant is a silent/synonymous amino acid change and it is not expected to impact splicing.

Blueprint Genetics
Classification: Likely benign. Last evaluated: 2024-10-23. Review status: criteria provided, single submitter. Criteria: ACMG Guidelines, 2015. Collection method: clinical testing. Allele origin: germline.

CeGaT Center for Human Genetics Tuebingen
Classification: Likely benign. Last evaluated: 2024-09-01. Review status: criteria provided, single submitter. Criteria: CeGaT Center For Human Genetics Tuebingen Variant Classification Criteria Version 2. Collection method: clinical testing. Allele origin: germline. Affected: yes. Observed: 3 variant alleles.
Comment: TSC2: BP4, BP7

All of Us Research Program, National Institutes of Health
Classification: Benign for Tuberous sclerosis syndrome. Last evaluated: 2024-02-05. Review status: criteria provided, single submitter. Criteria: ACMG Guidelines, 2015. Collection method: clinical testing. Allele origin: germline. Inheritance: Autosomal dominant inheritance. Observed: 20 variant alleles, 20 heterozygotes.
Comment: This study involves interpretation of variants in research participants for the purpose of population health screening. Participant phenotype was not available at the time of variant classification. Additional details can be found in publication PMID: 35346344, PMCID: PMC8962531

KCCC/NGS Laboratory, Kuwait Cancer Control Center
Classification: Benign for Tuberous sclerosis 2. Last evaluated: 2023-07-07. Review status: criteria provided, single submitter. Criteria: ACMG Guidelines, 2015. Collection method: clinical testing. Allele origin: germline. Affected: yes.

Color Diagnostics, LLC DBA Color Health
Classification: Benign for Tuberous sclerosis syndrome. Last evaluated: 2022-09-20. Review status: criteria provided, single submitter. Criteria: ACMG Guidelines, 2015. Collection method: clinical testing. Allele origin: germline.

Genome-Nilou Lab
Classification: Benign for Tuberous sclerosis 2. Last evaluated: 2021-11-07. Review status: criteria provided, single submitter. Criteria: ACMG Guidelines, 2015. Collection method: clinical testing. Allele origin: germline. Affected: no.

Sema4
Classification: Benign for Hereditary cancer-predisposing syndrome. Last evaluated: 2021-08-03. Review status: criteria provided, single submitter. Criteria: Sema4 Curation Guidelines. Collection method: curation. Allele origin: germline.

Illumina Laboratory Services, Illumina
Classification: Likely benign for Tuberous sclerosis syndrome. Last evaluated: 2017-04-27. Review status: criteria provided, single submitter. Criteria: ICSL Variant Classification Criteria 13 December 2019. Collection method: clinical testing. Allele origin: germline.
Comment: This variant was observed as part of a predisposition screen in an ostensibly healthy population. A literature search was performed for the gene, cDNA change, and amino acid change (where applicable). No publications were found based on this search. Allele frequency data from public databases allowed determination this variant is unlikely to cause disease. Therefore, this variant is classified as likely benign.

Ambry Genetics
Classification: Likely benign for Hereditary cancer-predisposing syndrome. Last evaluated: 2016-06-03. Review status: criteria provided, single submitter. Criteria: Ambry Variant Classification Scheme 2023. Collection method: clinical testing. Allele origin: germline.

GeneDx
Classification: Benign. Last evaluated: 2013-08-07. Review status: criteria provided, single submitter. Criteria: GeneDx Variant Classification (06012015). Collection method: clinical testing. Allele origin: germline. Affected: yes.
Comment: This variant is considered likely benign or benign based on one or more of the following criteria: it is a conservative change, it occurs at a poorly conserved position in the protein, it is predicted to be benign by multiple in silico algorithms, and/or has population frequency not consistent with disease.